The following is an entry in ClinVar:

NM_138420.4(AHNAK2):c.4780C>G (p.Pro1594Ala)

Gene: AHNAK2 (AHNAK nucleoprotein 2; minus strand). Cytogenetic location: 14q32.33.
Variant type: single nucleotide variant.
Coding change: c.4780C>G on transcript NM_138420.4 (MANE Select); coding-DNA position 4780, C replaced by G.
Protein change: p.Pro1594Ala; replaces proline 1594 with alanine.
Molecular consequence: missense variant.
Genome position (GRCh38, 1-based): chr14:104,950,671, G>C on the plus strand (C>G on the coding strand, the complement: AHNAK2 is on the minus strand). VCF-style: chr14-104950671-G-C. GRCh37 (hg19) VCF-style: chr14-105417008-G-C.
Other names: c.4480C>G, p.Pro1494Ala (NM_001350929.2); short protein forms P1494A, P1594A.
Identifiers: ClinVar variation 4872465 (VCV004872465.2).

ClinVar aggregate classification (germline): Likely benign (1 of 4 stars; one submission).

gnomAD v4.1: 47 of 1,586,938 alleles (0.003%); highest among the groups gnomAD compares: Middle Eastern, 0.033%; 3 homozygotes.

Submission:

CeGaT Center for Human Genetics Tuebingen
Classification: Likely benign. Last evaluated: 2026-06-01. Review status: criteria provided, single submitter. Criteria: CeGaT Center For Human Genetics Tuebingen Variant Classification Criteria Version 2. Collection method: clinical testing. Allele origin: germline. Affected: yes. Observed: 1 variant allele.
Comment: AHNAK2: BP4